The following is an entry in ClinVar:

ClinVar aggregate classification (germline): Uncertain significance (1 of 4 stars; one submission).

Allele frequency attached by ClinVar (database versions not stated): ExAC 0.00001; gnomAD 0.00001 and 0.00002.
gnomAD v4.1: 6 of 1,614,016 alleles (0.00037%); highest among the groups gnomAD compares: East Asian, 0.0022%; no homozygotes.

Submission:

Labcorp Genetics (formerly Invitae), Labcorp
Classification: Uncertain significance. Last evaluated: 2025-09-02. Review status: criteria provided, single submitter. Criteria: Invitae Variant Classification Sherloc (09022015). Collection method: clinical testing. Allele origin: germline.
Comment: This sequence change replaces valine, which is neutral and non-polar, with methionine, which is neutral and non-polar, at codon 455 of the MTOR protein (p.Val455Met). This variant is present in population databases (rs778152958, gnomAD 0.005%). This variant has not been reported in the literature in individuals affected with MTOR-related conditions. ClinVar contains an entry for this variant (Variation ID: 1480767). Invitae Evidence Modeling of protein sequence and biophysical properties (such as structural, functional, and spatial information, amino acid conservation, physicochemical variation, residue mobility, and thermodynamic stability) indicates that this missense variant is not expected to disrupt MTOR protein function with a negative predictive value of 95%. In summary, the available evidence is currently insufficient to determine the role of this variant in disease. Therefore, it has been classified as a Variant of Uncertain Significance.

NM_004958.4(MTOR):c.1363G>A (p.Val455Met)

Gene: MTOR (mechanistic target of rapamycin kinase; minus strand). Cytogenetic location: 1p36.22.
Variant type: single nucleotide variant.
Coding change: c.1363G>A on transcript NM_004958.4 (MANE Select); coding-DNA position 1363, G replaced by A.
Protein change: p.Val455Met; replaces valine 455 with methionine.
Molecular consequence: missense variant.
Genome position (GRCh38, 1-based): chr1:11,243,163, C>T on the plus strand (G>A on the coding strand, the complement: MTOR is on the minus strand). VCF-style: chr1-11243163-C-T. GRCh37 (hg19) VCF-style: chr1-11303220-C-T.
Other names: c.1363G>A, p.Val455Met (NM_001386500.1); c.115G>A, p.Val39Met (NM_001386501.1); short protein forms V39M, V455M.
Identifiers: ClinVar variation 1480767 (VCV001480767.6), dbSNP rs778152958, ClinGen allele CA590752.